The following is an entry in ClinVar:

NM_005908.4(MANBA):c.478C>T (p.Arg160Cys)

Gene: MANBA (mannosidase beta; minus strand). Cytogenetic location: 4q24.
Variant type: single nucleotide variant.
Coding change: c.478C>T on transcript NM_005908.4 (MANE Select); coding-DNA position 478, C replaced by T.
Protein change: p.Arg160Cys; replaces arginine 160 with cysteine.
Molecular consequence: missense variant.
Genome position (GRCh38, 1-based): chr4:102,722,942, G>A on the plus strand (C>T on the coding strand, the complement: MANBA is on the minus strand). VCF-style: chr4-102722942-G-A. GRCh37 (hg19) VCF-style: chr4-103644099-G-A.
Other names: short protein forms R160C.
Identifiers: ClinVar variation 790006 (VCV000790006.12), dbSNP rs114543305, ClinGen allele CA3027210.

ClinVar aggregate classification (germline): Likely benign. Review status: criteria provided, multiple submitters, no conflicts (2 of 4 stars). 4 submissions from 4 submitters: Likely benign (3). 1 of the submissions does not count toward it. Last evaluated 2026-01-20.

Conditions:
Beta-D-mannosidosis (MANSB). Also called: Beta-Mannosidosis; MANNOSIDOSIS, BETA A, LYSOSOMAL; BETA-MANNOSIDASE DEFICIENCY; LYSOSOMAL BETA-MANNOSIDASE DEFICIENCY. Identifiers: Orphanet 118, MedGen C4048196, MONDO:0009562, OMIM 248510.
Inborn genetic diseases. Identifiers: MedGen C0950123, MeSH D030342.
MANBA-related disorder. Also called: MANBA-related condition.

Allele frequency attached by ClinVar (database versions not stated): 1000 Genomes Project 30x 0.00234; 1000 Genomes Project 0.00260; ESP Exome Variant Server 0.00261; gnomAD exomes 0.00025; gnomAD 0.00238 and 0.00255; TOPMed 0.00255.
gnomAD v4.1: 751 of 1,614,100 alleles (0.047%); highest among the groups gnomAD compares: African/African-American, 0.86%; 3 homozygotes.

Submissions (4):

Labcorp Genetics (formerly Invitae), Labcorp
Classification: Likely benign for Beta-D-mannosidosis. Last evaluated: 2026-01-20. Review status: criteria provided, single submitter. Criteria: Invitae Variant Classification Sherloc (09022015). Collection method: clinical testing. Allele origin: germline.

Ambry Genetics
Classification: Likely benign for Inborn genetic diseases. Last evaluated: 2023-07-19. Review status: criteria provided, single submitter. Criteria: Ambry Variant Classification Scheme 2023. Collection method: clinical testing. Allele origin: germline.

Breakthrough Genomics
Classification: Likely benign. Review status: criteria provided, single submitter. Criteria: ACMG Guidelines, 2015. Collection method: not provided. Allele origin: germline. Inheritance: Autosomal recessive inheritance. Affected: yes.

PreventionGenetics, part of Exact Sciences
Classification: Benign for MANBA-related condition. Last evaluated: 2019-08-17. Review status: no assertion criteria provided. Collection method: clinical testing. Allele origin: germline. Not counted in ClinVar's aggregate classification.
Comment: This variant is classified as benign based on ACMG/AMP sequence variant interpretation guidelines (Richards et al. 2015 PMID: 25741868, with internal and published modifications).